The following is an entry in ClinVar:

ClinVar aggregate classification (germline): Uncertain significance (1 of 4 stars; one submission).

Allele frequency attached by ClinVar (database versions not stated): gnomAD 0.00001; gnomAD exomes 0.00001; TOPMed 0.00001.
gnomAD v4.1: 6 of 1,614,030 alleles (0.00037%); highest among the groups gnomAD compares: Non-Finnish European, 0.00051%; no homozygotes.

Submission:

Labcorp Genetics (formerly Invitae), Labcorp
Classification: Uncertain significance. Last evaluated: 2022-11-01. Review status: criteria provided, single submitter. Criteria: Invitae Variant Classification Sherloc (09022015). Collection method: clinical testing. Allele origin: germline.
Comment: In summary, the available evidence is currently insufficient to determine the role of this variant in disease. Therefore, it has been classified as a Variant of Uncertain Significance. Advanced modeling of protein sequence and biophysical properties (such as structural, functional, and spatial information, amino acid conservation, physicochemical variation, residue mobility, and thermodynamic stability) has been performed at Invitae for this missense variant, however the output from this modeling did not meet the statistical confidence thresholds required to predict the impact of this variant on CYP24A1 protein function. This variant has not been reported in the literature in individuals affected with CYP24A1-related conditions. This variant is present in population databases (no rsID available, gnomAD 0.003%). This sequence change replaces leucine, which is neutral and non-polar, with proline, which is neutral and non-polar, at codon 353 of the CYP24A1 protein (p.Leu353Pro).

NM_000782.5(CYP24A1):c.1058T>C (p.Leu353Pro)

Gene: CYP24A1 (cytochrome P450 family 24 subfamily A member 1; minus strand). Cytogenetic location: 20q13.2.
Variant type: single nucleotide variant.
Coding change: c.1058T>C on transcript NM_000782.5 (MANE Select); coding-DNA position 1058, T replaced by C.
Protein change: p.Leu353Pro; replaces leucine 353 with proline.
Molecular consequence: missense variant.
Genome position (GRCh38, 1-based): chr20:54,159,056, A>G on the plus strand (T>C on the coding strand, the complement: CYP24A1 is on the minus strand). VCF-style: chr20-54159056-A-G. GRCh37 (hg19) VCF-style: chr20-52775595-A-G.
Other names: c.1058T>C, p.Leu353Pro (NM_001128915.2); short protein forms L353P.
Identifiers: ClinVar variation 1959393 (VCV001959393.5), dbSNP rs1382745171, ClinGen allele CA409390099.